The following is an entry in ClinVar:

NM_057175.5(NAA15):c.1363del (p.Ala455fs)

Gene: NAA15 (N-alpha-acetyltransferase 15, NatA auxiliary subunit; plus strand). Cytogenetic location: 4q31.1.
Variant type: Deletion.
Coding change: c.1363del on transcript NM_057175.5 (MANE Select); coding-DNA position 1363, one base deleted (G; older notation c.1363delG).
Protein change: p.Ala455fs; shifts the reading frame from alanine 455.
Molecular consequence: frameshift variant.
Genome position (GRCh38, 1-based): chr4:139,359,848, G deleted. VCF-style (leftmost placement, unchanged base first): chr4-139359847-AG-A. GRCh37 (hg19) VCF-style: chr4-140281001-AG-A.
Other names: c.1363del, p.Ala455fs (NM_001410842.1); short protein forms A455fs.
Identifiers: ClinVar variation 3900227 (VCV003900227.1).

ClinVar aggregate classification (germline): Pathogenic (1 of 4 stars; one submission).

Submission:

GeneDx
Classification: Pathogenic. Last evaluated: 2024-11-21. Review status: criteria provided, single submitter. Criteria: GeneDx Variant Classification Process June 2021. Collection method: clinical testing. Allele origin: germline. Affected: yes.
Comment: Frameshift variant predicted to result in protein truncation or nonsense mediated decay in a gene for which loss-of-function is a known mechanism of disease; Not observed at significant frequency in large population cohorts (gnomAD); Has not been previously published as pathogenic or benign to our knowledge